The following is an entry in ClinVar:

NM_000059.4(BRCA2):c.1659A>G (p.Leu553=)

Gene: BRCA2 (BRCA2 DNA repair associated; plus strand). Cytogenetic location: 13q13.1.
Variant type: single nucleotide variant.
Coding change: c.1659A>G on transcript NM_000059.4 (MANE Select); coding-DNA position 1659, A replaced by G.
Protein change: p.Leu553=; no amino-acid change (leucine 553 retained).
Molecular consequence: synonymous variant.
Genome position (GRCh38, 1-based): chr13:32,333,137, A>G. VCF-style: chr13-32333137-A-G. GRCh37 (hg19) VCF-style: chr13-32907274-A-G.
Identifiers: ClinVar variation 184223 (VCV000184223.21), dbSNP rs786201343, ClinGen allele CA012808.

ClinVar aggregate classification (germline): Likely benign. Review status: reviewed by expert panel (3 of 4 stars). 7 submissions from 7 submitters: Likely benign (1). 6 of the submissions do not count toward it. Last evaluated 2017-06-29.

Conditions:
Hereditary cancer-predisposing syndrome. Also called: Tumor predisposition; Hereditary Cancer Syndrome; Hereditary neoplastic syndrome; Neoplastic Syndromes, Hereditary. Identifiers: Orphanet 140162, MedGen C0027672, MeSH D009386, MONDO:0015356.
Hereditary breast ovarian cancer syndrome. Also called: Breast and ovarian cancer; Hereditary breast and ovarian cancer syndrome; Hereditary breast and ovarian cancer; BRCA1- and BRCA2-Associated Hereditary Breast and Ovarian Cancer; Hereditary breast and ovarian cancer syndrome (HBOC); Hereditary breast and/or ovarian cancer syndrome. Identifiers: Orphanet 145, MedGen C0677776, MeSH D061325, MONDO:0003582. Disease mechanism: loss of function.
Breast-ovarian cancer, familial, susceptibility to, 2 (BROVCA2). Also called: BRCA2 Hereditary Breast and Ovarian Cancer. Identifiers: Orphanet 145, MedGen C2675520, MONDO:0012933, OMIM 612555. Disease mechanism: loss of function.

Allele frequency attached by ClinVar (database versions not stated): TOPMed below 0.00001; gnomAD 0.00001.
gnomAD v4.1: 1 of 1,614,014 alleles (0.000062%); highest among the groups gnomAD compares: Non-Finnish European, 0.000085%; no homozygotes.

Submissions (7):

Evidence-based Network for the Interpretation of Germline Mutant Alleles (ENIGMA)
Classification: Likely benign for Breast-ovarian cancer, familial, susceptibility to, 2. Last evaluated: 2017-06-29. Review status: reviewed by expert panel. Criteria: ENIGMA BRCA1/2 Classification Criteria (2017-06-29). Collection method: curation. Allele origin: germline.
Comment: Synonymous substitution variant, with low bioinformatic likelihood to result in a splicing aberration (Splicing prior probability 0.02).

Labcorp Genetics (formerly Invitae), Labcorp
Classification: Likely benign for Hereditary breast ovarian cancer syndrome. Last evaluated: 2025-08-04. Review status: criteria provided, single submitter. Criteria: Invitae Variant Classification Sherloc (09022015). Collection method: clinical testing. Allele origin: germline. Not counted in ClinVar's aggregate classification.

Color Diagnostics, LLC DBA Color Health
Classification: Likely benign for Hereditary cancer-predisposing syndrome. Last evaluated: 2024-03-10. Review status: criteria provided, single submitter. Criteria: ACMG Guidelines, 2015. Collection method: clinical testing. Allele origin: germline. Not counted in ClinVar's aggregate classification.

Quest Diagnostics Nichols Institute San Juan Capistrano
Classification: Likely benign. Last evaluated: 2020-01-21. Review status: criteria provided, single submitter. Criteria: Quest Diagnostics criteria. Collection method: clinical testing. Allele origin: unknown. Not counted in ClinVar's aggregate classification.

Women's Health and Genetics/Laboratory Corporation of America, LabCorp
Classification: Likely benign. Last evaluated: 2019-08-21. Review status: criteria provided, single submitter. Criteria: LabCorp Variant Classification Summary - May 2015. Collection method: clinical testing. Allele origin: germline. Not counted in ClinVar's aggregate classification.

GeneDx
Classification: Likely benign. Last evaluated: 2016-12-06. Review status: criteria provided, single submitter. Criteria: GeneDx Variant Classification (06012015). Collection method: clinical testing. Allele origin: germline. Affected: yes. Not counted in ClinVar's aggregate classification.
Comment: This variant is considered likely benign or benign based on one or more of the following criteria: it is a conservative change, it occurs at a poorly conserved position in the protein, it is predicted to be benign by multiple in silico algorithms, and/or has population frequency not consistent with disease.

Ambry Genetics
Classification: Likely benign for Hereditary cancer-predisposing syndrome. Last evaluated: 2014-09-29. Review status: criteria provided, single submitter. Criteria: Ambry Variant Classification Scheme 2023. Collection method: clinical testing. Allele origin: germline. Not counted in ClinVar's aggregate classification.